The following is an entry in ClinVar:

NM_000478.6(ALPL):c.809G>A (p.Trp270Ter)

Gene: ALPL (alkaline phosphatase, biomineralization associated; plus strand). Cytogenetic location: 1p36.12.
Variant type: single nucleotide variant.
Coding change: c.809G>A on transcript NM_000478.6 (MANE Select); coding-DNA position 809, G replaced by A.
Protein change: p.Trp270Ter; replaces tryptophan 270 with a stop codon.
Molecular consequence: nonsense.
Genome position (GRCh38, 1-based): chr1:21,570,321, G>A. VCF-style: chr1-21570321-G-A. GRCh37 (hg19) VCF-style: chr1-21896814-G-A.
Other names: c.644G>A, p.Trp215Ter (NM_001127501.4); c.578G>A, p.Trp193Ter (NM_001177520.3); c.809G>A, p.Trp270Ter (NM_001369803.2, NM_001369804.2, NM_001369805.2); short protein forms W270*, W215*, W193*.
Identifiers: ClinVar variation 189023 (VCV000189023.18), dbSNP rs786204634, ClinGen allele CA274277.

ClinVar aggregate classification (germline): Pathogenic. Review status: criteria provided, multiple submitters, no conflicts (2 of 4 stars). 9 submissions from 9 submitters: Pathogenic (8). 1 of the submissions does not count toward it. Last evaluated 2025-08-29.

Conditions:
Autosomal recessive ALPL-related disorders.
Adult hypophosphatasia. Identifiers: Orphanet 247676, Orphanet 436, MedGen C0268413, MONDO:1010154, OMIM 146300, MONDO:0007798.
Childhood hypophosphatasia. Identifiers: Orphanet 247667, Orphanet 436, MedGen C0220743, MONDO:1010168, OMIM 241510, MONDO:0009428.
Infantile hypophosphatasia. Identifiers: Orphanet 247651, Orphanet 436, MedGen C0268412, MONDO:1010169, OMIM 241500, MONDO:0009427.
Hypophosphatasia. Also called: Phosphoethanol-aminuria. Identifiers: Orphanet 436, MedGen C0020630, MeSH D007014, MONDO:0018570.

Allele frequency attached by ClinVar (database versions not stated): TOPMed below 0.00001; gnomAD exomes 0.00001.
gnomAD v4.1: 13 of 1,614,122 alleles (0.00081%); highest among the groups gnomAD compares: Admixed American, 0.0017%; no homozygotes.

Submissions (9):

Genomenon, Inc
Classification: Pathogenic for Hypophosphatasia. Last evaluated: 2025-08-29. Review status: criteria provided, single submitter. Criteria: Genomenon Sequence Variant Interpretation Standards. Collection method: curation. Allele origin: germline. Affected: yes.
Comment: ALPL c.809G>A is a nonsense variant that introduces a premature stop codon at amino acid position 270, creating a truncated protein that is predicted to undergo nonsense-mediated mRNA decay. This variant has been observed in a proband affected with hypophosphatasia (PMID:29236161). At least one functional study has demonstrated a substantial alteration in protein function relative to the wild-type (PMID:10332035). It is absent or not present at a significant frequency in gnomAD. In conclusion, we classify ALPL p.Trp270Ter (c.809G>A) as a pathogenic variant.

Labcorp Genetics (formerly Invitae), Labcorp
Classification: Pathogenic. Last evaluated: 2025-08-17. Review status: criteria provided, single submitter. Criteria: Invitae Variant Classification Sherloc (09022015). Collection method: clinical testing. Allele origin: germline.
Comment: This sequence change creates a premature translational stop signal (p.Trp270*) in the ALPL gene. It is expected to result in an absent or disrupted protein product. Loss-of-function variants in ALPL are known to be pathogenic (PMID: 3174660, 10679946, 32973344, 33814268). This variant is present in population databases (rs786204634, gnomAD 0.003%). This premature translational stop signal has been observed in individual(s) with hypophosphatasia (PMID: 9781036). ClinVar contains an entry for this variant (Variation ID: 189023). For these reasons, this variant has been classified as Pathogenic.

Variantyx, Inc.
Classification: Pathogenic for Autosomal recessive ALPL-related disorders. Last evaluated: 2025-03-23. Review status: criteria provided, single submitter. Criteria: Variantyx Assertion Criteria 2022. Collection method: clinical testing. Allele origin: maternal.
Comment: This is a nonsense variant in the ALPL gene (OMIM: 171760). Pathogenic variants in this gene have been associated with autosomal dominant or autosomal recessive ALPL-related disorders. This variant introduces a premature termination codon in exon 8 out of 12. It is expected to result in loss of function, which is a known disease mechanism for ALPL in this disorder (PMID: 3174660, 10679946, 32973344, 33814268) (PVS1). This variant has been identified in the homozygous or compound heterozygous state in at least 4 individual(s) from the published literature (PMID: 9781036, 32160374) (PM3). In addition, this variant have been identified in the heterozygous state in individuals with adult onset and mild hypophosphatasia with low serum alkaline phosphatase (PMID: 32973344, 29236161, 32066497). This variant has a 0.0022% maximum allele frequency in non-founder control populations (PM2_Supporting). Based on the current evidence, this variant is classified as pathogenic for autosomal recessive ALPL-related disorders.

Natera, Inc.
Classification: Pathogenic for Hypophosphatasia. Last evaluated: 2024-08-06. Review status: criteria provided, single submitter. Criteria: Natera Variant Classification Schema (03/2026). Collection method: clinical testing. Allele origin: germline.
Comment: The c.809G>A variant in ALPL is a nonsense variant predicted to introduce a stop codon at amino acid 270. This variant is expected to result in nonsense mediated decay, truncation, or a dysfunctional protein product. This variant is rare in the general population with a frequency below the threshold expected for the associated phenotype(s). This variant has been observed in one or more individuals affected with the associated recessive disease, as either homozygous or compound heterozygous with a second variant (PMID: 32987199, 9781036). Given the available evidence, this variant is classified as Pathogenic.

Fulgent Genetics
Classification: Pathogenic for Adult hypophosphatasia; Infantile hypophosphatasia; Childhood hypophosphatasia. Last evaluated: 2024-04-14. Review status: criteria provided, single submitter. Criteria: ACMG Guidelines, 2015. Collection method: clinical testing. Allele origin: germline.

Baylor Genetics
Classification: Pathogenic for Adult hypophosphatasia. Last evaluated: 2023-08-08. Review status: criteria provided, single submitter. Criteria: ACMG Guidelines, 2015. Collection method: clinical testing. Allele origin: unknown.

Centre for Clinical Genetics and Genomic Diagnostics, Zealand University Hospital
Classification: Pathogenic. Last evaluated: 2023-04-25. Review status: criteria provided, single submitter. Criteria: ACMG Guidelines, 2015. Collection method: clinical testing. Allele origin: germline. Affected: yes.

Women's Health and Genetics/Laboratory Corporation of America, LabCorp
Classification: Pathogenic for Hypophosphatasia. Last evaluated: 2021-08-20. Review status: criteria provided, single submitter. Criteria: LabCorp Variant Classification Summary - May 2015. Collection method: clinical testing. Allele origin: germline.
Comment: Variant summary: ALPL c.809G>A (p.Trp270X) results in a premature termination codon, predicted to cause a truncation of the encoded protein or absence of the protein due to nonsense mediated decay, which are commonly known mechanisms for disease. Truncations downstream of this position have been classified as pathogenic by our laboratory. The variant allele was found at a frequency of 8e-06 in 251350 control chromosomes. c.809G>A has been reported in the literature in individuals affected with Hypophosphatasia, including two lethal cases who were compound heterozygous as well as an adult case who was heterozygous for the variant (Mornet_1998, Tailandier_2017, Angle_2020). The variant was found to have 1.2% of wild-type activity in transfection studies (Zurutuza_1999). No clinical diagnostic laboratories have submitted clinical-significance assessments for this variant to ClinVar after 2014. Based on the evidence outlined above, the variant was classified as pathogenic.

Counsyl
Classification: Likely pathogenic for Infantile hypophosphatasia. Last evaluated: 2014-10-21. Review status: no assertion criteria provided. Collection method: literature only. Allele origin: unknown. Inheritance: Autosomal recessive inheritance. Not counted in ClinVar's aggregate classification.

Literature cited by the submitters: PubMed 29236161 (cited by Genomenon, Inc and Women's Health and Genetics/Laboratory Corporation of America, LabCorp); PubMed 10332035 (cited by 3 submitters); PubMed 3174660 (cited by Labcorp Genetics (formerly Invitae), Labcorp); PubMed 10679946 (cited by Labcorp Genetics (formerly Invitae), Labcorp); PubMed 32973344 (cited by Labcorp Genetics (formerly Invitae), Labcorp); PubMed 33814268 (cited by Labcorp Genetics (formerly Invitae), Labcorp); PubMed 9781036 (cited by 4 submitters); PubMed 32987199 (cited by Natera, Inc.); PubMed 32160374 (cited by Women's Health and Genetics/Laboratory Corporation of America, LabCorp).